The following is an entry in ClinVar:

ClinVar aggregate classification (germline): Uncertain significance. Review status: criteria provided, multiple submitters, no conflicts (2 of 4 stars). 2 submissions from 2 submitters: Uncertain significance (2). Last evaluated 2025-06-23.

Conditions:
Bohring-Opitz syndrome. Also called: C-LIKE SYNDROME; BOHRING SYNDROME; OPITZ TRIGONOCEPHALY-LIKE SYNDROME; ASXL1-Related Bohring-Opitz Syndrome. Identifiers: Orphanet 97297, MedGen C0796232, MONDO:0011510, OMIM 605039.

Allele frequency attached by ClinVar (database versions not stated): TOPMed below 0.00001; ExAC 0.00001.
gnomAD v4.1: 5 of 1,607,816 alleles (0.00031%); highest among the groups gnomAD compares: Non-Finnish European, 0.00042%; no homozygotes.

Submissions (2):

Labcorp Genetics (formerly Invitae), Labcorp
Classification: Uncertain significance. Last evaluated: 2025-06-23. Review status: criteria provided, single submitter. Criteria: Invitae Variant Classification Sherloc (09022015). Collection method: clinical testing. Allele origin: germline.
Comment: This sequence change replaces glycine, which is neutral and non-polar, with aspartic acid, which is acidic and polar, at codon 192 of the ASXL1 protein (p.Gly192Asp). The frequency data for this variant in the population databases is considered unreliable, as metrics indicate poor data quality at this position in the gnomAD database. This variant has not been reported in the literature in individuals affected with ASXL1-related conditions. ClinVar contains an entry for this variant (Variation ID: 2818787). An algorithm developed to predict the effect of missense changes on protein structure and function (PolyPhen-2) suggests that this variant is likely to be disruptive. In summary, the available evidence is currently insufficient to determine the role of this variant in disease. Therefore, it has been classified as a Variant of Uncertain Significance.

Revvity Omics, Revvity
Classification: Uncertain significance for Bohring-Opitz syndrome. Last evaluated: 2024-06-21. Review status: criteria provided, single submitter. Criteria: ACMG Guidelines, 2015. Collection method: clinical testing. Allele origin: germline.

NM_015338.6(ASXL1):c.575G>A (p.Gly192Asp)

Gene: ASXL1 (ASXL transcriptional regulator 1; plus strand). Cytogenetic location: 20q11.21.
Variant type: single nucleotide variant.
Coding change: c.575G>A on transcript NM_015338.6 (MANE Select); coding-DNA position 575, G replaced by A.
Protein change: p.Gly192Asp; replaces glycine 192 with aspartic acid.
Molecular consequence: missense variant. On other transcripts: intron variant (1).
Genome position (GRCh38, 1-based): chr20:32,429,910, G>A. VCF-style: chr20-32429910-G-A. GRCh37 (hg19) VCF-style: chr20-31017713-G-A.
Other names: c.535+479G>A (NM_001363734.1); short protein forms G192D.
Identifiers: ClinVar variation 2818787 (VCV002818787.4), dbSNP rs778674124, ClinGen allele CA9808141.